The following is an entry in ClinVar:

ClinVar aggregate classification (germline): Uncertain significance (1 of 4 stars; one submission).

Conditions:
Inborn genetic diseases. Identifiers: MedGen C0950123, MeSH D030342.

gnomAD v4.1: 1 of 1,601,126 alleles (0.000062%); highest among the groups gnomAD compares: Non-Finnish European, 0.000085%; no homozygotes.

Submission:

Ambry Genetics
Classification: Uncertain significance for Inborn genetic diseases. Last evaluated: 2025-02-28. Review status: criteria provided, single submitter. Criteria: Ambry Variant Classification Scheme 2023. Collection method: clinical testing. Allele origin: germline.
Comment: The p.A3T variant (also known as c.7G>A), located in coding exon 1 of the USB1 gene, results from a G to A substitution at nucleotide position 7. The alanine at codon 3 is replaced by threonine, an amino acid with similar properties. This amino acid position is conserved. In addition, this alteration is predicted to be tolerated by in silico analysis. Based on the available evidence, the clinical significance of this variant remains unclear.

NM_024598.4(USB1):c.7G>A (p.Ala3Thr)

Genes: USB1 (U6 snRNA biogenesis phosphodiesterase 1; plus strand), LOC112469011 (Sharpr-MPRA regulatory region 3942; plus strand). Cytogenetic location: 16q21.
Variant type: single nucleotide variant.
Coding change: c.7G>A on transcript NM_024598.4 (MANE Select); coding-DNA position 7, G replaced by A.
Protein change: p.Ala3Thr; replaces alanine 3 with threonine.
Molecular consequence: missense variant. On other transcripts: intron variant (1).
Genome position (GRCh38, 1-based): chr16:58,001,490, G>A. VCF-style: chr16-58001490-G-A. GRCh37 (hg19) VCF-style: chr16-58035394-G-A.
Other names: c.7G>A, p.Ala3Thr (NM_001195302.2, NM_001204911.2, NM_001330569.2); c.-55-989G>A (NM_001330568.2); short protein forms A3T.
Identifiers: ClinVar variation 3813909 (VCV003813909.1).